The following is an entry in ClinVar:

NM_005334.3(HCFC1):c.1894A>G (p.Ile632Val)

Gene: HCFC1 (host cell factor C1; minus strand). Cytogenetic location: Xq28.
Variant type: single nucleotide variant.
Coding change: c.1894A>G on transcript NM_005334.3 (MANE Select); coding-DNA position 1894, A replaced by G.
Protein change: p.Ile632Val; replaces isoleucine 632 with valine.
Molecular consequence: missense variant.
Genome position (GRCh38, 1-based): chrX:153,958,159, T>C on the plus strand (A>G on the coding strand, the complement: HCFC1 is on the minus strand). VCF-style: chrX-153958159-T-C. GRCh37 (hg19) VCF-style: chrX-153223610-T-C.
Other names: c.1894A>G, p.Ile632Val (NM_001410705.1); short protein forms I632V.
Identifiers: ClinVar variation 1676380 (VCV001676380.3), dbSNP rs2065395979, ClinGen allele CA415134039.
Genomic context (GRCh38, chrX:153,958,159, plus strand): 5'-TGGTCACCACCTGGGCTTGCTGGGCCACTGTCACAGTGCCTGACTTGTGCACTGTGATGA[T>C]AGGGCGGGTAGACGTGTTGGTGGCGGAGGAAACCGATGTCCCCACCTGGGCGGCTGCAGT-3'
Protein context (NP_005325.2, residues 622-642): SSATNTSTRP[Ile632Val]ITVHKSGTVT

ClinVar aggregate classification (germline): Uncertain significance (1 of 4 stars; one submission).

gnomAD v4.1: 2 of 1,210,481 alleles (0.00017%); highest among the groups gnomAD compares: Non-Finnish European, 0.00022%; no homozygotes.

Submission:

GeneDx
Classification: Uncertain significance. Last evaluated: 2026-07-28. Review status: criteria provided, single submitter. Criteria: GeneDx Variant Classification Process June 2021. Collection method: clinical testing. Allele origin: germline.
Comment: Not observed at significant frequency in large population cohorts (gnomAD); In silico analysis suggests that this missense variant does not alter protein structure/function; This variant is associated with the following publications: (PMID: 37264743)